The following is an entry in ClinVar:

ClinVar aggregate classification (germline): Conflicting classifications of pathogenicity. Review status: criteria provided, conflicting classifications (1 of 4 stars). 4 submissions from 4 submitters: Uncertain significance (3); Likely benign (1). Last evaluated 2025-09-09.

Conditions:
Retinitis pigmentosa 3. Also called: CHOROIDORETINAL DEGENERATION WITH RETINAL REFLEX IN HETEROZYGOUS WOMEN. Identifiers: OMIM 300029, Orphanet 791, MedGen C1845667, MONDO:0010227.
X-linked cone-rod dystrophy 1 (CORDX1). Identifiers: Orphanet 1872, MedGen C1844776, MONDO:0010566, OMIM 304020.
Primary ciliary dyskinesia. Also called: Ciliary dyskinesia. Identifiers: Orphanet 244, MedGen C0008780, MONDO:0016575, HP:0012265.

Allele frequency attached by ClinVar (database versions not stated): gnomAD 0.00001; gnomAD exomes 0.00002 and 0.00007; TOPMed 0.00004.
gnomAD v4.1: 77 of 1,207,753 alleles (0.0064%); highest among the groups gnomAD compares: Non-Finnish European, 0.008%; no homozygotes.

Submissions (4):

Labcorp Genetics (formerly Invitae), Labcorp
Classification: Uncertain significance for Primary ciliary dyskinesia. Last evaluated: 2025-09-09. Review status: criteria provided, single submitter. Criteria: Invitae Variant Classification Sherloc (09022015). Collection method: clinical testing. Allele origin: germline.
Comment: This sequence change replaces cysteine, which is neutral and slightly polar, with arginine, which is basic and polar, at codon 450 of the RPGR protein (p.Cys450Arg). This variant is present in population databases (rs794727019, gnomAD 0.004%). This missense change has been observed in individual(s) with retinitis pigmentosa (PMID: 23150612). ClinVar contains an entry for this variant (Variation ID: 193808). Invitae Evidence Modeling of protein sequence and biophysical properties (such as structural, functional, and spatial information, amino acid conservation, physicochemical variation, residue mobility, and thermodynamic stability) indicates that this missense variant is not expected to disrupt RPGR protein function with a negative predictive value of 95%. In summary, the available evidence is currently insufficient to determine the role of this variant in disease. Therefore, it has been classified as a Variant of Uncertain Significance.

Blueprint Genetics
Classification: Uncertain significance. Last evaluated: 2023-08-07. Review status: criteria provided, single submitter. Criteria: ACMG Guidelines, 2015. Collection method: clinical testing. Allele origin: germline.

Breda Genetics srl
Classification: Likely benign for X-linked cone-rod dystrophy 1; Retinitis pigmentosa 3. Last evaluated: 2021-03-23. Review status: criteria provided, single submitter. Criteria: ACMG Guidelines, 2015. Collection method: clinical testing. Allele origin: germline. Inheritance: X-linked dominant inheritance. Affected: no. Observed: 1 variant allele, 1 hemizygote.
Comment: The variant c.1348T> C (p.Cys450Arg) in the RPGR gene is reported as of uncertain significance in ClinVar (Variation ID: 193808). The variant is reported with an estimated allelic frequency of 0.00001636 in gnomAD exomes, with no homozygous or hemizygotic individuals reported. The nucleotide position is not conserved in 35 mammal species (GERP RS: -1.81). The in silico analysis mostly indicates that the variant could be neutral. This variant has been reported as pathogenic by Branham and colleagues in a hemizygous patient diagnosed with retinitis pigmentosa, but without any additional clinical information(PMID: 23150612). Howevere, on the basis of above-mentioned information and of family segregation analysis, we interpret this variant as likely benign.

Eurofins Ntd Llc (ga)
Classification: Uncertain significance. Last evaluated: 2014-12-31. Review status: criteria provided, single submitter. Criteria: EGL Classification Definitions 2015. Collection method: clinical testing. Allele origin: germline. Observed: 1 variant allele, 1 hemizygote.

Literature cited by the submitters: PubMed 23150612 (cited by Labcorp Genetics (formerly Invitae), Labcorp).

NM_001034853.2(RPGR):c.1348T>C (p.Cys450Arg)

Gene: RPGR (retinitis pigmentosa GTPase regulator; minus strand). Cytogenetic location: Xp11.4.
Variant type: single nucleotide variant.
Coding change: c.1348T>C on transcript NM_001034853.2 (MANE Select); coding-DNA position 1348, T replaced by C.
Protein change: p.Cys450Arg; replaces cysteine 450 with arginine.
Molecular consequence: missense variant. On other transcripts: non-coding transcript variant (6).
Genome position (GRCh38, 1-based): chrX:38,297,350, A>G on the plus strand (T>C on the coding strand, the complement: RPGR is on the minus strand). VCF-style: chrX-38297350-A-G. GRCh37 (hg19) VCF-style: chrX-38156603-A-G.
Other names: c.1348T>C, p.Cys450Arg (NM_000328.3, NM_001367247.1); c.1345T>C, p.Cys449Arg (NM_001367245.1, NM_001367249.1, NM_001367250.1); c.1162T>C, p.Cys388Arg (NM_001367246.1, NM_001367251.1); c.1378T>C, p.Cys460Arg (NM_001367248.1); short protein forms C450R, C388R, C449R, C460R.
Identifiers: ClinVar variation 193808 (VCV000193808.17), dbSNP rs794727019, ClinGen allele CA239469.